The following is an entry in ClinVar:

NM_000291.4(PGK1):c.1060G>C (p.Ala354Pro)

Gene: PGK1 (phosphoglycerate kinase 1; plus strand). Cytogenetic location: Xq21.1.
Variant type: single nucleotide variant.
Coding change: c.1060G>C on transcript NM_000291.4 (MANE Select); coding-DNA position 1060, G replaced by C.
Protein change: p.Ala354Pro; replaces alanine 354 with proline.
Molecular consequence: missense variant.
Genome position (GRCh38, 1-based): chrX:78,124,997, G>C. VCF-style: chrX-78124997-G-C. GRCh37 (hg19) VCF-style: chrX-77380494-G-C.
Other names: short protein forms A354P.
Identifiers: ClinVar variation 1506865 (VCV001506865.6), dbSNP rs2149137048, ClinGen allele CA413717911.

ClinVar aggregate classification (germline): Likely pathogenic (1 of 4 stars; one submission).

Submission:

Labcorp Genetics (formerly Invitae), Labcorp
Classification: Likely pathogenic. Last evaluated: 2021-11-12. Review status: criteria provided, single submitter. Criteria: Invitae Variant Classification Sherloc (09022015). Collection method: clinical testing. Allele origin: germline.
Comment: This sequence change replaces alanine, which is neutral and non-polar, with proline, which is neutral and non-polar, at codon 354 of the PGK1 protein (p.Ala354Pro). This variant is not present in population databases (gnomAD no frequency). This missense change has been observed in individual(s) with clinical features of phosphoglycerate kinase 1 deficiency (PMID: 12956773, 28801086; Invitae). This variant is also known as Ala353Pro and PGK Kyoto. Algorithms developed to predict the effect of missense changes on protein structure and function (SIFT, PolyPhen-2, Align-GVGD) all suggest that this variant is likely to be tolerated. Experimental studies have shown that this missense change affects PGK1 function (PMID: 22348148, 24838780). In summary, the currently available evidence indicates that the variant is pathogenic, but additional data are needed to prove that conclusively. Therefore, this variant has been classified as Likely Pathogenic.

Literature cited by the submitters: PubMed 12956773; PubMed 28801086; PubMed 22348148; PubMed 24838780.